The following is an entry in ClinVar:

NM_001042492.3(NF1):c.1598T>G (p.Val533Gly)

Gene: NF1 (neurofibromin 1; plus strand). Cytogenetic location: 17q11.2.
Variant type: single nucleotide variant.
Coding change: c.1598T>G on transcript NM_001042492.3 (MANE Select); coding-DNA position 1598, T replaced by G.
Protein change: p.Val533Gly; replaces valine 533 with glycine.
Molecular consequence: missense variant.
Genome position (GRCh38, 1-based): chr17:31,219,075, T>G. VCF-style: chr17-31219075-T-G. GRCh37 (hg19) VCF-style: chr17-29546093-T-G.
Other names: c.1598T>G, p.Val533Gly (NM_000267.4, NM_001128147.3); short protein forms V533G.
Identifiers: ClinVar variation 547595 (VCV000547595.3), dbSNP rs1555612857, ClinGen allele CA399001961.

ClinVar aggregate classification (germline): Conflicting classifications of pathogenicity. Review status: criteria provided, conflicting classifications (1 of 4 stars). 3 submissions from 3 submitters: Likely pathogenic (1); Uncertain significance (2). Last evaluated 2025-07-29.

Conditions:
Hereditary cancer-predisposing syndrome. Also called: Neoplastic Syndromes, Hereditary; Hereditary neoplastic syndrome; Tumor predisposition; Hereditary Cancer Syndrome. Identifiers: Orphanet 140162, MedGen C0027672, MeSH D009386, MONDO:0015356.
Cardiovascular phenotype. Identifiers: MedGen CN230736.
Neurofibromatosis, type 1 (NF1). Also called: NEUROFIBROMATOSIS, TYPE I, SOMATIC; VON RECKLINGHAUSEN DISEASE; Peripheral type neurofibromatosis; Neurofibromatosis, type I. Identifiers: Orphanet 636, MedGen C0027831, MONDO:0018975, OMIM 162200. Disease mechanism: loss of function.

Submissions (3):

Ambry Genetics
Classification: Uncertain significance for Cardiovascular phenotype; Hereditary cancer-predisposing syndrome. Last evaluated: 2025-07-29. Review status: criteria provided, single submitter. Criteria: Ambry Variant Classification Scheme 2023. Collection method: clinical testing. Allele origin: germline.
Comment: The p.V533G variant (also known as c.1598T>G), located in coding exon 14 of the NF1 gene, results from a T to G substitution at nucleotide position 1598. The valine at codon 533 is replaced by glycine, an amino acid with dissimilar properties. This amino acid position is highly conserved in available vertebrate species. In addition, this alteration is predicted to be deleterious by in silico analysis. Based on the available evidence, the clinical significance of this variant remains unclear.

NHS Central & South Genomic Laboratory Hub
Classification: Uncertain significance for Neurofibromatosis type 1. Last evaluated: 2025-04-09. Review status: criteria provided, single submitter. Criteria: ACMG Guidelines, 2015. Collection method: clinical testing. Allele origin: germline. Affected: yes.

Center for Human Genetics, Inc
Classification: Likely pathogenic for Neurofibromatosis, type 1. Last evaluated: 2016-11-01. Review status: criteria provided, single submitter. Criteria: ACMG Guidelines, 2015. Collection method: clinical testing. Allele origin: germline. Affected: yes.